The following is an entry in ClinVar:

NM_001605.3(AARS1):c.601G>C (p.Ala201Pro)

Gene: AARS1 (alanyl-tRNA synthetase 1; minus strand). Cytogenetic location: 16q22.1.
Variant type: single nucleotide variant.
Coding change: c.601G>C on transcript NM_001605.3 (MANE Select); coding-DNA position 601, G replaced by C.
Protein change: p.Ala201Pro; replaces alanine 201 with proline.
Molecular consequence: missense variant.
Genome position (GRCh38, 1-based): chr16:70,271,851, C>G on the plus strand (G>C on the coding strand, the complement: AARS1 is on the minus strand). VCF-style: chr16-70271851-C-G. GRCh37 (hg19) VCF-style: chr16-70305754-C-G.
Other names: short protein forms A201P.
Identifiers: ClinVar variation 1682301 (VCV001682301.8), dbSNP rs760716722, ClinGen allele CA396566656.

ClinVar aggregate classification (germline): Uncertain significance (1 of 4 stars; one submission).

Conditions:
Charcot-Marie-Tooth disease type 2. Also called: Charcot-Marie-Tooth type 2. Identifiers: Orphanet 64746, MedGen C0270914, MONDO:0018993.

Submission:

Labcorp Genetics (formerly Invitae), Labcorp
Classification: Uncertain significance for Charcot-Marie-Tooth disease type 2. Last evaluated: 2020-11-15. Review status: criteria provided, single submitter. Criteria: Invitae Variant Classification Sherloc (09022015). Collection method: clinical testing. Allele origin: germline.
Comment: This sequence change replaces alanine with proline at codon 201 of the AARS protein (p.Ala201Pro). The alanine residue is moderately conserved and there is a small physicochemical difference between alanine and proline. This variant is not present in population databases (ExAC no frequency). This variant has not been reported in the literature in individuals with AARS-related conditions. Algorithms developed to predict the effect of missense changes on protein structure and function are either unavailable or do not agree on the potential impact of this missense change (SIFT: "Tolerated"; PolyPhen-2: "Possibly Damaging"; Align-GVGD: "Class C0"). In summary, the available evidence is currently insufficient to determine the role of this variant in disease. Therefore, it has been classified as a Variant of Uncertain Significance.